The following is an entry in ClinVar:

NM_198525.3(KIF7):c.1037C>G (p.Ala346Gly)

Gene: KIF7 (kinesin family member 7; minus strand). Cytogenetic location: 15q26.1.
Variant type: single nucleotide variant.
Coding change: c.1037C>G on transcript NM_198525.3 (MANE Select); coding-DNA position 1037, C replaced by G.
Protein change: p.Ala346Gly; replaces alanine 346 with glycine.
Molecular consequence: missense variant.
Genome position (GRCh38, 1-based): chr15:89,648,661, G>C on the plus strand (C>G on the coding strand, the complement: KIF7 is on the minus strand). VCF-style: chr15-89648661-G-C. GRCh37 (hg19) VCF-style: chr15-90191892-G-C.
Other names: short protein forms A346G.
Identifiers: ClinVar variation 1943170 (VCV001943170.5), dbSNP rs1964064932, ClinGen allele CA393772949.
Genomic context (GRCh38, chr15:89,648,661, plus strand): 5'-TCGGGTGGCCGCTCGGCCTCGGGCCGCCAGTTGACCGTGGCGCGGTTGCGGATGTTCTGG[G>C]CGCGGCTGGCGTAGTTGAGGGTGTTGAGGGTCTCGTCGAAGTCGGAGGAGGAAGGGCTGA-3'
Protein context (NP_940927.2, residues 336-356): TLNTLNYASR[Ala346Gly]QNIRNRATVN

ClinVar aggregate classification (germline): Uncertain significance (1 of 4 stars; one submission).

Conditions:
Acrocallosal syndrome (ACLS). Also called: HALLUX DUPLICATION, POSTAXIAL POLYDACTYLY, AND ABSENCE OF CORPUS CALLOSUM; Schinzel syndrome 1; Absence of corpus callosum with unusual facial appearance, mental deficiency, duplication of the halluces and polydactyly. Identifiers: Orphanet 36, MedGen C0796147, MONDO:0008708, OMIM 200990.

Allele frequency attached by ClinVar (database versions not stated): TOPMed below 0.00001; gnomAD 0.00001; gnomAD exomes 0.00001.
gnomAD v4.1: 4 of 1,535,664 alleles (0.00026%); highest among the groups gnomAD compares: Admixed American, 0.002%; no homozygotes.

Submission:

Labcorp Genetics (formerly Invitae), Labcorp
Classification: Uncertain significance for Acrocallosal syndrome. Last evaluated: 2022-04-23. Review status: criteria provided, single submitter. Criteria: Invitae Variant Classification Sherloc (09022015). Collection method: clinical testing. Allele origin: germline.
Comment: In summary, the available evidence is currently insufficient to determine the role of this variant in disease. Therefore, it has been classified as a Variant of Uncertain Significance. This sequence change replaces alanine, which is neutral and non-polar, with glycine, which is neutral and non-polar, at codon 346 of the KIF7 protein (p.Ala346Gly). This variant is not present in population databases (gnomAD no frequency). This variant has not been reported in the literature in individuals affected with KIF7-related conditions. Algorithms developed to predict the effect of missense changes on protein structure and function are either unavailable or do not agree on the potential impact of this missense change (SIFT: "Deleterious"; PolyPhen-2: "Possibly Damaging"; Align-GVGD: "Class C0").